The following is an entry in ClinVar:

NM_000492.3:c.2440_2441insALU

Gene: CFTR (CF transmembrane conductance regulator; plus strand).
Variant type: Insertion.
Identifiers: ClinVar variation 3832601 (VCV003832601.1).

ClinVar aggregate classification (germline): Likely pathogenic (1 of 4 stars; one submission).

Conditions:
Cystic fibrosis (CF). Also called: MUCOVISCIDOSIS. Identifiers: Orphanet 586, MedGen C0010674, MONDO:0009061, OMIM 219700. Disease mechanism: loss of function.

Submission:

Ambry Genetics
Classification: Likely pathogenic for Cystic fibrosis. Last evaluated: 2025-03-12. Review status: criteria provided, single submitter. Criteria: Ambry Variant Classification Scheme 2023. Collection method: clinical testing. Allele origin: germline.
Comment: The c.2440_2441insAlu likely pathogenic variant results from the insertion of an Alu element between nucleotides c.2440 and c.2441 in coding exon 14 of the CFTR gene. Mobile element insertions contribute to pathogenicity by either disrupting the coding sequence or inducing aberrant splicing (Belancio VP et al. Semin. Cancer Biol. 2010 Aug;20:200-10; Deininger P et al. Genome Biol. 2011 Dec;12:236; van der Klift HM Hum Mutat. 2012 Jul;33(7):1051-5). Based on the majority of available evidence to date, this variant is likely to be pathogenic.